The following is an entry in ClinVar:

ClinVar aggregate classification (germline): Likely pathogenic (0 of 4 stars; one submission).

Conditions:
Rod-cone dystrophy. Identifiers: MedGen C4551714, HP:0000510.

Submission:

Centre for Vision Research, Duke-NUS Medical School
Classification: Likely pathogenic for Rod-cone dystrophy. Last evaluated: 2026-09-04. Review status: no assertion criteria provided. Collection method: clinical testing. Allele origin: germline. Affected: yes. Observed: 1 variant allele.
Comment: Disease progression was slower than in other cases of X-linked RP, particularly in comparison with RPGR- and RP2-associated disease.

NM_006915.3(RP2):c.281G>A (p.Gly94Glu)

Gene: RP2 (RP2 activator of ARL3 GTPase; plus strand). Cytogenetic location: Xp11.3.
Variant type: single nucleotide variant.
Coding change: c.281G>A on transcript NM_006915.3 (MANE Select); coding-DNA position 281, G replaced by A.
Protein change: p.Gly94Glu; replaces glycine 94 with glutamic acid.
Molecular consequence: missense variant.
Genome position (GRCh38, 1-based): chrX:46,853,654, G>A. VCF-style: chrX-46853654-G-A. GRCh37 (hg19) VCF-style: chrX-46713089-G-A.
Other names: short protein forms G94E.
Identifiers: ClinVar variation 5037934 (VCV005037934.1).